The following is an entry in ClinVar:

ClinVar aggregate classification (germline): Uncertain significance (1 of 4 stars; one submission).

Conditions:
Cardiovascular phenotype. Identifiers: MedGen CN230736.

Submission:

Ambry Genetics
Classification: Uncertain significance for Cardiovascular phenotype. Last evaluated: 2022-04-03. Review status: criteria provided, single submitter. Criteria: Ambry Variant Classification Scheme 2023. Collection method: clinical testing. Allele origin: germline.
Comment: The p.R442L variant (also known as c.1325G>T), located in coding exon 8 of the TBX1 gene, results from a G to T substitution at nucleotide position 1325. The arginine at codon 442 is replaced by leucine, an amino acid with dissimilar properties. This amino acid position is conserved. In addition, the in silico prediction for this alteration is inconclusive. Since supporting evidence is limited at this time, the clinical significance of this alteration remains unclear.

NM_001379200.1(TBX1):c.1352G>T (p.Arg451Leu)

Gene: TBX1 (T-box transcription factor 1; plus strand). Cytogenetic location: 22q11.21.
Variant type: single nucleotide variant.
Coding change: c.1352G>T on transcript NM_001379200.1 (MANE Select); coding-DNA position 1352, G replaced by T.
Protein change: p.Arg451Leu; replaces arginine 451 with leucine.
Molecular consequence: missense variant. On other transcripts: intron variant (2).
Genome position (GRCh38, 1-based): chr22:19,766,704, G>T. VCF-style: chr22-19766704-G-T. GRCh37 (hg19) VCF-style: chr22-19754227-G-T.
Other names: c.1325G>T, p.Arg442Leu (NM_080647.1); c.1009+702G>T (NM_005992.1, NM_080646.2); short protein forms R451L, R442L.
Identifiers: ClinVar variation 1769996 (VCV001769996.2), dbSNP rs755937050, ClinGen allele CA410685098.
Genomic context (GRCh38, chr22:19,766,704, plus strand): 5'-CCTACGACCACTATCTCGGGGCCAAGAGCCGGCCGGCGCCCTACCCGCTGCCCGGCCTGC[G>T]TGGCCACGGCTACCACCCGCACGCGCATCCGCACCACCACCACCACCCCGTGAGTCCAGC-3'
Protein context (NP_001366129.1, residues 441-461): RPAPYPLPGL[Arg451Leu]GHGYHPHAHP